The following is an entry in ClinVar:

ClinVar aggregate classification (germline): Likely benign (1 of 4 stars; one submission).

gnomAD v4.1: 176 of 1,593,864 alleles (0.011%); highest among the groups gnomAD compares: Admixed American, 0.018%; no homozygotes.

Submission:

CeGaT Center for Human Genetics Tuebingen
Classification: Likely benign. Last evaluated: 2026-08-01. Review status: criteria provided, single submitter. Criteria: CeGaT Center For Human Genetics Tuebingen Variant Classification Criteria Version 2. Collection method: clinical testing. Allele origin: germline. Affected: yes. Observed: 1 variant allele.
Comment: TNPO2: BP4, BP7

NM_001382241.1(TNPO2):c.1938C>T (p.Ser646=)

Gene: TNPO2 (transportin 2; minus strand). Cytogenetic location: 19p13.13.
Variant type: single nucleotide variant.
Coding change: c.1938C>T on transcript NM_001382241.1 (MANE Select); coding-DNA position 1938, C replaced by T.
Protein change: p.Ser646=; no amino-acid change (serine 646 retained).
Molecular consequence: synonymous variant. On other transcripts: non-coding transcript variant (6).
Genome position (GRCh38, 1-based): chr19:12,705,324, G>A on the plus strand (C>T on the coding strand, the complement: TNPO2 is on the minus strand). VCF-style: chr19-12705324-G-A. GRCh37 (hg19) VCF-style: chr19-12816138-G-A.
Other names: c.1938C>T, p.Ser646= (NM_001136195.2, NM_001136196.2, NM_001382236.1 and 7 more transcripts).
Identifiers: ClinVar variation 5039500 (VCV005039500.1).